The following is an entry in ClinVar:

ClinVar aggregate classification (germline): Conflicting classifications of pathogenicity. Review status: criteria provided, conflicting classifications (1 of 4 stars). 9 submissions from 9 submitters: Uncertain significance (8); Likely benign (1). Last evaluated 2026-01-31.

Conditions:
Familial infantile myasthenia (CMS6). Also called: MYASTHENIC SYNDROME, CONGENITAL, 6, PRESYNAPTIC; Congenital myasthenic syndrome type 6; MYASTHENIC SYNDROME, PRESYNAPTIC, CONGENITAL, ASSOCIATED WITH EPISODIC APNEA. Identifiers: Orphanet 590, MedGen C0393929, MONDO:0009689, OMIM 254210.

Submissions (9):

Labcorp Genetics (formerly Invitae), Labcorp
Classification: Likely benign for Familial infantile myasthenia. Last evaluated: 2026-01-31. Review status: criteria provided, single submitter. Criteria: Invitae Variant Classification Sherloc (09022015). Collection method: clinical testing. Allele origin: germline.

Revvity Omics, Revvity
Classification: Uncertain significance for Familial infantile myasthenia. Last evaluated: 2024-11-28. Review status: criteria provided, single submitter. Criteria: ACMG Guidelines, 2015. Collection method: clinical testing. Allele origin: germline.

GeneDx
Classification: Uncertain significance. Last evaluated: 2024-04-14. Review status: criteria provided, single submitter. Criteria: GeneDx Variant Classification Process June 2021. Collection method: clinical testing. Allele origin: germline. Affected: yes.
Comment: Frameshift variant predicted to result in protein truncation or nonsense mediated decay in a gene for which loss of function is a known mechanism of disease; Has not been previously published as pathogenic or benign to our knowledge

Blueprint Genetics
Classification: Uncertain significance. Last evaluated: 2024-03-19. Review status: criteria provided, single submitter. Criteria: ACMG Guidelines, 2015. Collection method: clinical testing. Allele origin: germline.

Women's Health and Genetics/Laboratory Corporation of America, LabCorp
Classification: Uncertain significance. Last evaluated: 2024-01-22. Review status: criteria provided, single submitter. Criteria: LabCorp Variant Classification Summary - May 2015. Collection method: clinical testing. Allele origin: germline.
Comment: Variant summary: CHAT c.59_60delAG (p.Glu20GlyfsX60) located in the coding exon 1 of the longest CHAT gene transcript, results in a premature termination codon, predicted to cause a truncation of the encoded protein or absence of the protein due to nonsense mediated decay, which are commonly known mechanisms for disease. However, this exon is not expressed in multiple alternate CHAT transcripts to include NM_020986, where it is annotated as CHAT NM_020986.4: c.-69+1046_-69+1047delAG in the non-coding 5' UTR region of the CHAT gene. The variant allele was found at a frequency of 0.0003 in 147486 control chromosomes. This frequency is not significantly higher than estimated for a pathogenic variant in CHAT causing Congenital Myasthenic Syndrome (0.0003 vs 0.00079), allowing no conclusion about variant significance. To our knowledge, no occurrence of c.59_60delAG in individuals affected with Congenital Myasthenic Syndrome and no experimental evidence demonstrating its impact on protein function have been reported. ClinVar contains an entry for this variant (Variation ID: 575316). Based on the evidence outlined above, the variant was classified as uncertain significance.

Fulgent Genetics
Classification: Uncertain significance for Familial infantile myasthenia. Last evaluated: 2022-05-03. Review status: criteria provided, single submitter. Criteria: ACMG Guidelines, 2015. Collection method: clinical testing. Allele origin: unknown.

Baylor Genetics
Classification: Uncertain significance for Familial infantile myasthenia. Last evaluated: 2019-04-25. Review status: criteria provided, single submitter. Criteria: ACMG Guidelines, 2015. Collection method: clinical testing. Allele origin: unknown. Affected: yes.
Comment: This variant was determined to be of uncertain significance according to ACMG Guidelines, 2015 [PMID:25741868].

Eurofins Ntd Llc (ga)
Classification: Uncertain significance. Last evaluated: 2018-05-16. Review status: criteria provided, single submitter. Criteria: EGL ClinVar v180209 classification definitions. Collection method: clinical testing. Allele origin: germline. Observed: 1 variant allele, 1 heterozygote.

Breakthrough Genomics
Classification: Uncertain significance. Review status: criteria provided, single submitter. Criteria: ACMG Guidelines, 2015. Collection method: not provided. Allele origin: germline. Inheritance: Autosomal recessive inheritance. Affected: yes.

NM_020549.5(CHAT):c.59_60del (p.Glu20fs)

Gene: CHAT (choline O-acetyltransferase; plus strand). Cytogenetic location: 10q11.23.
Variant type: Microsatellite.
Coding change: c.59_60del on transcript NM_020549.5 (MANE Select); coding-DNA positions 59 to 60, 2 bases deleted (AG; older notation c.59_60delAG).
Protein change: p.Glu20fs; shifts the reading frame from glutamic acid 20.
Molecular consequence: frameshift variant. On other transcripts: 5 prime UTR variant (3), intron variant (3).
Genome position (GRCh38, 1-based): chr10:49,614,248-49,614,249, AG deleted; deleting any 2 consecutive bases within chr10:49,614,242-49,614,249 gives the same sequence; the c. name uses the placement nearest the transcript's 3' end. VCF-style (leftmost placement, unchanged base first): chr10-49614241-AAG-A. GRCh37 (hg19) VCF-style: chr10-50822287-AAG-A.
Other names: c.59_60delAG (NM_020549.4, NM_020549.5); c.-302AG[3] (NM_001142929.2); c.-264AG[3] (NM_001142933.2); c.-372AG[3] (NM_001142934.2); c.-68-2260AG[3] (NM_020984.4); c.-240-62AG[3] (NM_020985.4); c.-69+1040AG[3] (NM_020986.4); short protein forms E20fs.
Identifiers: ClinVar variation 575316 (VCV000575316.24), dbSNP rs531450737, ClinGen allele CA5497022.